The following is an entry in ClinVar:

ClinVar aggregate classification (germline): Pathogenic (1 of 4 stars; one submission).

Conditions:
GNE myopathy (NM). Also called: INCLUSION BODY MYOPATHY, HEREDITARY, AUTOSOMAL RECESSIVE; INCLUSION BODY MYOPATHY 2, AUTOSOMAL RECESSIVE; IBM 2; NONAKA DISTAL MYOPATHY; MYOPATHY, DISTAL, WITH OR WITHOUT RIMMED VACUOLES; Inclusion body myopathy autosomal recessive. Identifiers: Orphanet 602, MedGen C1853926, MONDO:0011603, OMIM 605820.
Sialuria. Also called: SIALURIA, FRENCH TYPE; Sialic Acid Storage Disease. Identifiers: Orphanet 3166, MedGen C0342853, MONDO:0010028, OMIM 269921.

Submission:

Labcorp Genetics (formerly Invitae), Labcorp
Classification: Pathogenic for Sialuria; GNE myopathy. Last evaluated: 2023-06-24. Review status: criteria provided, single submitter. Criteria: Invitae Variant Classification Sherloc (09022015). Collection method: clinical testing. Allele origin: germline.
Comment: For these reasons, this variant has been classified as Pathogenic. Algorithms developed to predict the effect of sequence changes on RNA splicing suggest that this variant may disrupt the consensus splice site. ClinVar contains an entry for this variant (Variation ID: 1452395). This variant has not been reported in the literature in individuals affected with GNE-related conditions. This variant is not present in population databases (gnomAD no frequency). This sequence change creates a premature translational stop signal (p.Arg532Profs*7) in the GNE gene. It is expected to result in an absent or disrupted protein product. Loss-of-function variants in GNE are known to be pathogenic (PMID: 24027297).

Literature cited by the submitters: PubMed 24027297.

NM_005476.7(GNE):c.1501_1529del (p.Arg501fs)

Gene: GNE (glucosamine (UDP-N-acetyl)-2-epimerase/N-acetylmannosamine kinase; minus strand). Cytogenetic location: 9p13.3.
Variant type: Deletion.
Coding change: c.1501_1529del on transcript NM_005476.7 (MANE Select); coding-DNA positions 1501 to 1529, 29 bases deleted (AGGACCCCCCTTTCTGACACTTTGCATCT).
Protein change: p.Arg501fs; shifts the reading frame from arginine 501.
Molecular consequence: frameshift variant. On other transcripts: intron variant (1).
Genome position (GRCh38, 1-based): chr9:36,222,881-36,222,909, AGATGCAAAGTGTCAGAAAGGGGGGTCCT deleted on the plus strand (AGGACCCCCCTTTCTGACACTTTGCATCT on the coding strand, the reverse complement: GNE is on the minus strand); deleting any 29 consecutive bases within chr9:36,222,881-36,222,910 gives the same sequence; the c. name uses the placement nearest the transcript's 3' end. VCF-style (leftmost placement, unchanged base first): chr9-36222880-GAGATGCAAAGTGTCAGAAAGGGGGGTCCT-G. GRCh37 (hg19) VCF-style: chr9-36222877-GAGATGCAAAGTGTCAGAAAGGGGGGTCCT-G.
Other names: c.1594_1622del, p.Arg532fs (NM_001128227.3); c.1171_1199del, p.Arg391fs (NM_001190384.3); c.1324_1352del, p.Arg442fs (NM_001190388.2, NM_001374798.1); c.1348_1376del, p.Arg450fs (NM_001374797.1); c.1411+464_1411+492del (NM_001190383.3); short protein forms R450fs, R391fs, R442fs, R532fs, R501fs.
Identifiers: ClinVar variation 1452395 (VCV001452395.6), dbSNP rs1554658924, ClinGen allele CA2573144642.